The following is an entry in ClinVar:

NM_012208.4(HARS2):c.360T>A (p.Asp120Glu)

Gene: HARS2 (histidyl-tRNA synthetase 2, mitochondrial; plus strand). Cytogenetic location: 5q31.3.
Variant type: single nucleotide variant.
Coding change: c.360T>A on transcript NM_012208.4 (MANE Select); coding-DNA position 360, T replaced by A.
Protein change: p.Asp120Glu; replaces aspartic acid 120 with glutamic acid.
Molecular consequence: missense variant. On other transcripts: intron variant (1).
Genome position (GRCh38, 1-based): chr5:140,694,241, T>A. VCF-style: chr5-140694241-T-A. GRCh37 (hg19) VCF-style: chr5-140073826-T-A.
Other names: c.285T>A, p.Asp95Glu (NM_001278731.2); c.378T>A, p.Asp126Glu (NM_001363535.2); c.150T>A, p.Asp50Glu (NM_001363536.2); c.93+187T>A (NM_001278732.2); short protein forms D120E, D126E, D50E, D95E.
Identifiers: ClinVar variation 3026808 (VCV003026808.22), dbSNP rs2481368008, ClinGen allele CA361195568.

ClinVar aggregate classification (germline): Uncertain significance (1 of 4 stars; one submission).

Submission:

CeGaT Center for Human Genetics Tuebingen
Classification: Uncertain significance. Last evaluated: 2024-01-01. Review status: criteria provided, single submitter. Criteria: CeGaT Center For Human Genetics Tuebingen Variant Classification Criteria Version 2. Collection method: clinical testing. Allele origin: germline. Affected: yes. Observed: 1 variant allele.
Comment: HARS2: PM2